The following is an entry in ClinVar:

ClinVar aggregate classification (germline): Likely benign (1 of 4 stars; one submission).

Conditions:
Familial thoracic aortic aneurysm and aortic dissection (TAAD). Also called: Thoracic aortic aneurysms and dissections. Identifiers: Orphanet 91387, MedGen C4707243, MONDO:0019625.

Submission:

All of Us Research Program, National Institutes of Health
Classification: Likely benign for Familial thoracic aortic aneurysm and aortic dissection. Last evaluated: 2024-04-25. Review status: criteria provided, single submitter. Criteria: ACMG Guidelines, 2015. Collection method: clinical testing. Allele origin: germline. Inheritance: Autosomal dominant inheritance. Observed: 1 variant allele, 1 heterozygote.
Comment: This study involves interpretation of variants in research participants for the purpose of population health screening. Participant phenotype was not available at the time of variant classification. Additional details can be found in publication PMID: 35346344, PMCID: PMC8962531

NM_002474.3(MYH11):c.2412-8dup

Gene: MYH11 (myosin heavy chain 11; minus strand). Cytogenetic location: 16p13.11.
Variant type: Duplication.
Coding change: c.2412-8dup on transcript NM_002474.3 (MANE Select); 8 bases into the intron before coding-DNA position 2412, one base duplicated (C; older notation c.2412-8dupC).
Molecular consequence: intron variant.
Genome position (GRCh38, 1-based): chr16:15,745,245, G duplicated on the plus strand (C on the coding strand, the reverse complement: MYH11 is on the minus strand); the first of 6 consecutive G bases (chr16:15,745,245-15,745,250); duplicating any one gives the same sequence. VCF-style (leftmost placement, unchanged base first): chr16-15745244-A-AG. GRCh37 (hg19) VCF-style: chr16-15839101-A-AG.
Other names: c.2412-8dup (NM_022844.3); c.2433-8dup (NM_001040114.2, NM_001040113.2).
Identifiers: ClinVar variation 3387221 (VCV003387221.1).